The following is an entry in ClinVar:

NM_033409.4(SLC52A3):c.658C>T (p.Pro220Ser)

Gene: SLC52A3 (solute carrier family 52 member 3; minus strand). Cytogenetic location: 20p13.
Variant type: single nucleotide variant.
Coding change: c.658C>T on transcript NM_033409.4 (MANE Select); coding-DNA position 658, C replaced by T.
Protein change: p.Pro220Ser; replaces proline 220 with serine.
Molecular consequence: missense variant.
Genome position (GRCh38, 1-based): chr20:763,913, G>A on the plus strand (C>T on the coding strand, the complement: SLC52A3 is on the minus strand). VCF-style: chr20-763913-G-A. GRCh37 (hg19) VCF-style: chr20-744557-G-A.
Other names: c.658C>T, p.Pro220Ser (NM_001370085.1, NM_001370086.1); short protein forms P220S.
Identifiers: ClinVar variation 1988941 (VCV001988941.4), dbSNP rs2514849351, ClinGen allele CA407963370.

ClinVar aggregate classification (germline): Uncertain significance (1 of 4 stars; one submission).

Conditions:
Brown-Vialetto-van Laere syndrome 1. Also called: BROWN-VIALETTO-VAN LAERE SYNDROME 1, MILD; BULBAR PALSY, PROGRESSIVE, WITH SENSORINEURAL DEAFNESS; PONTOBULBAR PALSY WITH DEAFNESS. Identifiers: Orphanet 572550, Orphanet 97229, MedGen C0796274, MONDO:0024537, OMIM 211530.

Submission:

Labcorp Genetics (formerly Invitae), Labcorp
Classification: Uncertain significance for Brown-Vialetto-van Laere syndrome 1. Last evaluated: 2022-01-24. Review status: criteria provided, single submitter. Criteria: Invitae Variant Classification Sherloc (09022015). Collection method: clinical testing. Allele origin: germline.
Comment: In summary, the available evidence is currently insufficient to determine the role of this variant in disease. Therefore, it has been classified as a Variant of Uncertain Significance. Algorithms developed to predict the effect of missense changes on protein structure and function (SIFT, PolyPhen-2, Align-GVGD) all suggest that this variant is likely to be tolerated. This variant has not been reported in the literature in individuals affected with SLC52A3-related conditions. This variant is not present in population databases (gnomAD no frequency). This sequence change replaces proline, which is neutral and non-polar, with serine, which is neutral and polar, at codon 220 of the SLC52A3 protein (p.Pro220Ser).